The following is an entry in ClinVar:

NM_000540.3(RYR1):c.9001-15C>A

Gene: RYR1 (ryanodine receptor 1; plus strand). Cytogenetic location: 19q13.2.
Variant type: single nucleotide variant.
Coding change: c.9001-15C>A on transcript NM_000540.3 (MANE Select); 15 bases into the intron before coding-DNA position 9001, C replaced by A.
Molecular consequence: intron variant.
Genome position (GRCh38, 1-based): chr19:38,510,645, C>A. VCF-style: chr19-38510645-C-A. GRCh37 (hg19) VCF-style: chr19-39001285-C-A.
Other names: c.9001-15C>A (NM_001042723.2).
Identifiers: ClinVar variation 590623 (VCV000590623.9), dbSNP rs372702492, ClinGen allele CA073057.

ClinVar aggregate classification (germline): Conflicting classifications of pathogenicity. Review status: criteria provided, conflicting classifications (1 of 4 stars). 5 submissions from 5 submitters: Uncertain significance (1); Likely benign (4). Last evaluated 2025-06-19.

Conditions:
RYR1-related disorder. Also called: RYR1-related condition; RYR1-related disorders. Identifiers: MedGen CN239331.
Congenital multicore myopathy with external ophthalmoplegia (CMYO1B). Also called: Congenital myopathy 1B, autosomal recessive; Minicore myopathy; MULTIMINICORE DISEASE WITH EXTERNAL OPHTHALMOPLEGIA; MULTICORE MYOPATHY; Minicore myopathy with external ophthalmoplegia. Identifiers: Orphanet 598, Orphanet 98905, MedGen C1850674, MONDO:0009712, OMIM 255320, HP:0003789.
Central core myopathy (CMYO1A). Also called: CONGENITAL MYOPATHY 1A, AUTOSOMAL DOMINANT, WITH SUSCEPTIBILITY TO MALIGNANT HYPERTHERMIA; Central core disease; Myopathy, central fibrillar. Identifiers: Orphanet 597, MedGen C5830701, MONDO:0007294, OMIM 117000.
Congenital myopathy with fiber type disproportion. Also called: Congenital fiber-type disproportion; Congenital fiber-type disproportion myopathy. Identifiers: Orphanet 2020, MedGen C0546264, MONDO:0009711. Inheritance: all.
King Denborough syndrome (KDS). Identifiers: MedGen C1840365, MONDO:0020485, OMIM 619542.
Malignant hyperthermia, susceptibility to, 1 (MHS1). Also called: Malignant hyperthermia suceptibility 1; Anesthesia related hyperthermia; Malignant hyperpyrexia; Fulminating hyperpyrexia; Pharmacogenic myopathy; RYR1-Related Malignant Hyperthermia Susceptibility. Identifiers: Orphanet 423, MedGen C2930980, MONDO:0007783, OMIM 145600.

Allele frequency attached by ClinVar (database versions not stated): ESP Exome Variant Server 0.00008; TOPMed 0.00005.
gnomAD v4.1: 136 of 1,614,050 alleles (0.0084%); highest among the groups gnomAD compares: Non-Finnish European, 0.011%; no homozygotes.

Submissions (5):

PreventionGenetics, part of Exact Sciences
Classification: Likely benign for RYR1-related condition. Last evaluated: 2025-06-19. Review status: criteria provided, single submitter. Criteria: ACMG Guidelines, 2015. Collection method: clinical testing. Allele origin: germline.
Comment: This variant is classified as likely benign based on ACMG/AMP sequence variant interpretation guidelines (Richards et al. 2015 PMID: 25741868, with internal and published modifications).

Labcorp Genetics (formerly Invitae), Labcorp
Classification: Likely benign for RYR1-related disorder. Last evaluated: 2024-04-03. Review status: criteria provided, single submitter. Criteria: Invitae Variant Classification Sherloc (09022015). Collection method: clinical testing. Allele origin: germline.

All of Us Research Program, National Institutes of Health
Classification: Likely benign for Malignant hyperthermia, susceptibility to, 1. Last evaluated: 2024-02-05. Review status: criteria provided, single submitter. Criteria: ACMG Guidelines, 2015. Collection method: clinical testing. Allele origin: germline. Inheritance: Autosomal dominant inheritance. Observed: 13 variant alleles, 13 heterozygotes.
Comment: This study involves interpretation of variants in research participants for the purpose of population health screening. Participant phenotype was not available at the time of variant classification. Additional details can be found in publication PMID: 35346344, PMCID: PMC8962531

Color Diagnostics, LLC DBA Color Health
Classification: Likely benign for Malignant hyperthermia, susceptibility to, 1. Last evaluated: 2022-12-09. Review status: criteria provided, single submitter. Criteria: ACMG Guidelines, 2015. Collection method: clinical testing. Allele origin: germline.

Fulgent Genetics
Classification: Uncertain significance for Central core myopathy; Malignant hyperthermia, susceptibility to, 1; Congenital myopathy 4A, autosomal dominant; Congenital multicore myopathy with external ophthalmoplegia; King Denborough syndrome. Last evaluated: 2021-08-26. Review status: criteria provided, single submitter. Criteria: ACMG Guidelines, 2015. Collection method: clinical testing. Allele origin: unknown.